The following is an entry in ClinVar:

ClinVar aggregate classification (germline): Conflicting classifications of pathogenicity. Review status: criteria provided, conflicting classifications (1 of 4 stars). 3 submissions from 3 submitters: Uncertain significance (1); Likely benign (2). Last evaluated 2022-02-28.

Conditions:
Hereditary cancer-predisposing syndrome. Also called: Neoplastic Syndromes, Hereditary; Hereditary Cancer Syndrome; Hereditary neoplastic syndrome; Tumor predisposition. Identifiers: Orphanet 140162, MedGen C0027672, MeSH D009386, MONDO:0015356.

Submissions (3):

Sema4
Classification: Uncertain significance for Hereditary cancer-predisposing syndrome. Last evaluated: 2022-02-28. Review status: criteria provided, single submitter. Criteria: Sema4 Curation Guidelines. Collection method: curation. Allele origin: germline.
Comment: The NTHL1 c.354C>T (p.C118=) variant has not been reported in the literature to our knowledge. This variant is not reported in the population database Genome Aggregation Database (PMID: 32461654), nor in ClinVar. Algorithms developed to predict the effect of sequence changes on RNA splicing suggest that this variant is not likely to affect RNA splicing, though these predictions have not been confirmed by transcriptional studies. The evidence is insufficient to meet ACMG/AMP criteria for classifying the variant as benign or pathogenic. Thus, the clinical significance of this variant is currently uncertain.

Ambry Genetics
Classification: Likely benign for Hereditary cancer-predisposing syndrome. Last evaluated: 2021-11-10. Review status: criteria provided, single submitter. Criteria: Ambry Variant Classification Scheme 2023. Collection method: clinical testing. Allele origin: germline.

Labcorp Genetics (formerly Invitae), Labcorp
Classification: Likely benign. Last evaluated: 2021-03-06. Review status: criteria provided, single submitter. Criteria: Invitae Variant Classification Sherloc (09022015). Collection method: clinical testing. Allele origin: germline.

NM_002528.7(NTHL1):c.330C>T (p.Cys110=)

Gene: NTHL1 (nth like DNA glycosylase 1; minus strand). Cytogenetic location: 16p13.3.
Variant type: single nucleotide variant.
Coding change: c.330C>T on transcript NM_002528.7 (MANE Select); coding-DNA position 330, C replaced by T.
Protein change: p.Cys110=; no amino-acid change (cysteine 110 retained).
Molecular consequence: synonymous variant. On other transcripts: intron variant (1).
Genome position (GRCh38, 1-based): chr16:2,046,152, G>A on the plus strand (C>T on the coding strand, the complement: NTHL1 is on the minus strand). VCF-style: chr16-2046152-G-A. GRCh37 (hg19) VCF-style: chr16-2096153-G-A.
Other names: c.330C>T, p.Cys110= (NM_001318193.2); c.24+128C>T (NM_001318194.2).
Identifiers: ClinVar variation 1457781 (VCV001457781.11), dbSNP rs2150945100, ClinGen allele CA492953217.